The following is an entry in ClinVar:

ClinVar aggregate classification (germline): Uncertain significance (1 of 4 stars; one submission).

Submission:

Labcorp Genetics (formerly Invitae), Labcorp
Classification: Uncertain significance. Last evaluated: 2025-04-07. Review status: criteria provided, single submitter. Criteria: Invitae Variant Classification Sherloc (09022015). Collection method: clinical testing. Allele origin: germline.
Comment: This sequence change falls in intron 10 of the ARHGEF18 gene. It does not directly change the encoded amino acid sequence of the ARHGEF18 protein. It affects a nucleotide within the consensus splice site. This variant is not present in population databases (gnomAD no frequency). This variant has not been reported in the literature in individuals affected with ARHGEF18-related conditions. ClinVar contains an entry for this variant (Variation ID: 1016474). Variants that disrupt the consensus splice site are a relatively common cause of aberrant splicing (PMID: 17576681, 9536098). Algorithms developed to predict the effect of sequence changes on RNA splicing suggest that this variant may disrupt the consensus splice site. In summary, the available evidence is currently insufficient to determine the role of this variant in disease. Therefore, it has been classified as a Variant of Uncertain Significance.

Literature cited by the submitters: PubMed 17576681; PubMed 9536098.

NM_001367823.1(ARHGEF18):c.2452+5G>T

Gene: ARHGEF18 (Rho/Rac guanine nucleotide exchange factor 18; plus strand). Cytogenetic location: 19p13.2.
Variant type: single nucleotide variant.
Coding change: c.2452+5G>T on transcript NM_001367823.1 (MANE Select); 5 bases into the intron after coding-DNA position 2452, G replaced by T.
Molecular consequence: intron variant.
Genome position (GRCh38, 1-based): chr19:7,459,999, G>T. VCF-style: chr19-7459999-G-T. GRCh37 (hg19) VCF-style: chr19-7524885-G-T.
Other names: c.1414+5G>T (NM_001367824.1, NM_015318.4); c.1726+5G>T (NM_001130955.2).
Identifiers: ClinVar variation 1016474 (VCV001016474.6), dbSNP rs752947301, ClinGen allele CA2320928745.
Genomic context (GRCh38, chr19:7,459,999, plus strand): 5'-CGAAGAGGAAAGGAAGGTGGTCGAGGCCCGCGCCACGAGACTCCGGGACTTTCAAGGTGA[G>T]CGGGAGACAGCGTCTGGGCACACCCCTTGTGTGGTGAGCCCTGGGCCCTCCATCAGGACT-3'